The following is an entry in ClinVar:

NM_021830.5(TWNK):c.1287C>T (p.Ala429=)

Gene: TWNK (twinkle mtDNA helicase; plus strand). Cytogenetic location: 10q24.31.
Variant type: single nucleotide variant.
Coding change: c.1287C>T on transcript NM_021830.5 (MANE Select); coding-DNA position 1287, C replaced by T.
Protein change: p.Ala429=; no amino-acid change (alanine 429 retained).
Molecular consequence: synonymous variant. On other transcripts: 5 prime UTR variant (2), non-coding transcript variant (2), intron variant (1).
Genome position (GRCh38, 1-based): chr10:100,989,687, C>T. VCF-style: chr10-100989687-C-T. GRCh37 (hg19) VCF-style: chr10-102749444-C-T.
Other names: c.1287C>T, p.Ala429= (NM_001163812.2); c.-76C>T (NM_001163813.2, NM_001163814.2); c.-57-19C>T (NM_001368275.1).
Identifiers: ClinVar variation 21673 (VCV000021673.5), dbSNP rs80356541, ClinGen allele CA342354.

ClinVar aggregate classification (germline): Uncertain significance. Review status: criteria provided, single submitter (1 of 4 stars). 2 submissions from 2 submitters: Uncertain significance (1). 1 of the submissions does not count toward it. Last evaluated 2022-05-22.

Conditions:
Infantile onset spinocerebellar ataxia (MTDPS7). Also called: SPINOCEREBELLAR ATAXIA, INFANTILE, WITH SENSORY NEUROPATHY; Mitochondrial DNA depletion syndrome 7 (hepatocerebral type); OPHTHALMOPLEGIA, HYPOTONIA, ATAXIA, HYPOACUSIS, AND ATHETOSIS; OHAHA SYNDROME. Identifiers: Orphanet 1186, MedGen C1849096, MONDO:0010060, OMIM 271245.

Submissions (2):

3billion
Classification: Uncertain significance for Infantile onset spinocerebellar ataxia. Last evaluated: 2022-05-22. Review status: criteria provided, single submitter. Criteria: ACMG Guidelines, 2015. Collection method: clinical testing. Allele origin: germline. Affected: yes. Observed: 1 homozygote.
Comment: This variant is absent from the gnomAD v2.1.1 dataset. It has bee previously reported in trans with another pathogenic variant in this gene (PMID: 16135556). Therefore, this variant is classified as uncertain significanceaccording to the recommendation of ACMG/AMP guideline.

GeneReviews
No classification provided. Condition: Infantile onset spinocerebellar ataxia. Review status: no classification provided. Collection method: literature only. Allele origin: germline. Not counted in ClinVar's aggregate classification.

Literature cited by the submitters: PubMed 16135556 (cited by 3billion and GeneReviews); NCBI Bookshelf NBK3795 (cited by GeneReviews).